The following is an entry in ClinVar:

NM_138295.5(PKD1L1):c.8132G>A (p.Arg2711Gln)

Genes: PKD1L1 (polycystin 1 like 1, transient receptor potential channel interacting; minus strand), PKD1L1-AS1 (PKD1L1 antisense RNA 1; plus strand). Cytogenetic location: 7p12.3.
Variant type: single nucleotide variant.
Coding change: c.8132G>A on transcript NM_138295.5 (MANE Select); coding-DNA position 8132, G replaced by A.
Protein change: p.Arg2711Gln; replaces arginine 2711 with glutamine.
Molecular consequence: missense variant.
Genome position (GRCh38, 1-based): chr7:47,800,710, C>T on the plus strand (G>A on the coding strand, the complement: PKD1L1 is on the minus strand). VCF-style: chr7-47800710-C-T. GRCh37 (hg19) VCF-style: chr7-47840308-C-T.
Other names: c.8132G>A (NM_138295.4); short protein forms R2711Q.
Identifiers: ClinVar variation 3057623 (VCV003057623.6), dbSNP rs150206836, ClinGen allele CA4251816.

ClinVar aggregate classification (germline): Uncertain significance. Review status: criteria provided, multiple submitters, no conflicts (2 of 4 stars). 4 submissions from 4 submitters: Uncertain significance (4). Last evaluated 2026-07-23.

Conditions:
PKD1L1-related disorder. Also called: PKD1L1-related condition.
Heterotaxy, visceral, 8, autosomal (HTX8). Identifiers: MedGen C4310668, MONDO:0014967, OMIM 617205.

Allele frequency attached by ClinVar (database versions not stated): gnomAD 0.00021; ESP Exome Variant Server 0.00023; TOPMed 0.00025; ExAC 0.00026.
gnomAD v4.1: 497 of 1,614,172 alleles (0.031%); highest among the groups gnomAD compares: Middle Eastern, 0.49%; no homozygotes.

Submissions (4):

PreventionGenetics, part of Exact Sciences
Classification: Uncertain significance for PKD1L1-related condition. Last evaluated: 2026-07-23. Review status: criteria provided, single submitter. Criteria: ACMG Guidelines, 2015. Collection method: clinical testing. Allele origin: germline.
Comment: The PKD1L1 c.8132G>A variant is predicted to result in the amino acid substitution p.Arg2711Gln. This variant has been previously reported as a variant of uncertain significance in a fetus with complex cardiac malformations and abdominal situs inversus (Supporting Tables S1 and S4, Liu et al. 2020. PubMed ID: 33131162). At PreventionGenetics, this variant has been identified in several other patients being tested for cholestasis and or heterotaxy with the c.3994C>T variant and sequencing analysis demonstrated that the two variants were on the same allele (i.e, in cis) in three individuals. This variant is reported in 0.062% of alleles in individuals of South Asian descent in gnomAD. At this time, the clinical significance of this variant is uncertain due to the absence of conclusive functional and genetic evidence.

Labcorp Genetics (formerly Invitae), Labcorp
Classification: Uncertain significance. Last evaluated: 2025-08-20. Review status: criteria provided, single submitter. Criteria: Invitae Variant Classification Sherloc (09022015). Collection method: clinical testing. Allele origin: germline.
Comment: This sequence change replaces arginine, which is basic and polar, with glutamine, which is neutral and polar, at codon 2711 of the PKD1L1 protein (p.Arg2711Gln). This variant is present in population databases (rs150206836, gnomAD 0.06%). This missense change has been observed in individual(s) with congenital heart defect with heterotaxy (PMID: 33131162). ClinVar contains an entry for this variant (Variation ID: 3057623). An algorithm developed to predict the effect of missense changes on protein structure and function outputs the following: PolyPhen-2: "Benign". The glutamine amino acid residue is found in multiple mammalian species, which suggests that this missense change does not adversely affect protein function. In summary, the available evidence is currently insufficient to determine the role of this variant in disease. Therefore, it has been classified as a Variant of Uncertain Significance.

Blueprint Genetics
Classification: Uncertain significance. Last evaluated: 2024-10-15. Review status: criteria provided, single submitter. Criteria: ACMG Guidelines, 2015. Collection method: clinical testing. Allele origin: germline.

Baylor Genetics
Classification: Uncertain significance for Heterotaxy, visceral, 8, autosomal. Last evaluated: 2024-01-19. Review status: criteria provided, single submitter. Criteria: ACMG Guidelines, 2015. Collection method: clinical testing. Allele origin: unknown.

Literature cited by the submitters: PubMed 33131162 (cited by Labcorp Genetics (formerly Invitae), Labcorp).